The following is an entry in ClinVar:

NM_005359.6(SMAD4):c.1393G>A (p.Val465Met)

Gene: SMAD4 (SMAD family member 4; plus strand). Cytogenetic location: 18q21.2.
Variant type: single nucleotide variant.
Coding change: c.1393G>A on transcript NM_005359.6 (MANE Select); coding-DNA position 1393, G replaced by A.
Protein change: p.Val465Met; replaces valine 465 with methionine.
Molecular consequence: missense variant.
Genome position (GRCh38, 1-based): chr18:51,076,722, G>A. VCF-style: chr18-51076722-G-A. GRCh37 (hg19) VCF-style: chr18-48603092-G-A.
Other names: short protein forms V465M.
Identifiers: ClinVar variation 184929 (VCV000184929.25), dbSNP rs786201798, ClinGen allele CA190502.

ClinVar aggregate classification (germline): Uncertain significance. Review status: criteria provided, multiple submitters, no conflicts (2 of 4 stars). 6 submissions from 6 submitters: Uncertain significance (6). Last evaluated 2026-03-17.

Conditions:
Juvenile polyposis syndrome (JPS). Identifiers: Orphanet 2929, MedGen C0345893, MONDO:0017380, OMIM 174900.
Familial thoracic aortic aneurysm and aortic dissection (TAAD). Also called: Thoracic aortic aneurysms and dissections. Identifiers: Orphanet 91387, MedGen C4707243, MONDO:0019625.
Hereditary cancer-predisposing syndrome. Also called: Tumor predisposition; Hereditary Cancer Syndrome; Hereditary neoplastic syndrome; Neoplastic Syndromes, Hereditary. Identifiers: Orphanet 140162, MedGen C0027672, MeSH D009386, MONDO:0015356.
Juvenile polyposis/hereditary hemorrhagic telangiectasia syndrome (JPHT). Also called: JP/HHT SYNDROME; JUVENILE POLYPOSIS WITH HEREDITARY HEMORRHAGIC TELANGIECTASIA; POLYPOSIS, GENERALIZED JUVENILE, WITH PULMONARY ARTERIOVENOUS MALFORMATION; Juvenile Polyposis Syndrome / Hereditary Hemorrhagic Telangiectasia (JPS/HHT); TELANGIECTASIA, HEREDITARY HEMORRHAGIC, WITH JUVENILE POLYPOSIS COLI. Identifiers: Orphanet 2929, MedGen C1832942, MONDO:0008278, OMIM 175050.

Allele frequency attached by ClinVar (database versions not stated): gnomAD exomes below 0.00001; gnomAD 0.00001.
gnomAD v4.1: 4 of 1,612,180 alleles (0.00025%); highest among the groups gnomAD compares: Non-Finnish European, 0.00034%; no homozygotes.

Submissions (6):

Ambry Genetics
Classification: Uncertain significance for Hereditary cancer-predisposing syndrome; Familial thoracic aortic aneurysm and aortic dissection. Last evaluated: 2026-03-17. Review status: criteria provided, single submitter. Criteria: Ambry Variant Classification Scheme 2023. Collection method: clinical testing. Allele origin: germline.
Comment: The p.V465M variant (also known as c.1393G>A), located in coding exon 10 of the SMAD4 gene, results from a G to A substitution at nucleotide position 1393. The valine at codon 465 is replaced by methionine, an amino acid with highly similar properties. BMP signaling studies showed reduced luciferase activity; however, the reduction was not statistically significant from that found for the wild-type vector (Carr JC et al. J. Surg. Res. 2012 May;174:211-4).This amino acid position is highly conserved in available vertebrate species. In addition, this alteration is predicted to be deleterious by in silico analysis. Since supporting evidence is limited at this time, the clinical significance of this alteration remains unclear.

Labcorp Genetics (formerly Invitae), Labcorp
Classification: Uncertain significance for Juvenile polyposis syndrome. Last evaluated: 2025-08-06. Review status: criteria provided, single submitter. Criteria: Invitae Variant Classification Sherloc (09022015). Collection method: clinical testing. Allele origin: germline.
Comment: This sequence change replaces valine, which is neutral and non-polar, with methionine, which is neutral and non-polar, at codon 465 of the SMAD4 protein (p.Val465Met). The frequency data for this variant in the population databases is considered unreliable, as metrics indicate poor data quality at this position in the gnomAD database. This missense change has been observed in individual(s) with juvenile polyposis (PMID: 22316667). ClinVar contains an entry for this variant (Variation ID: 184929). Invitae Evidence Modeling of protein sequence and biophysical properties (such as structural, functional, and spatial information, amino acid conservation, physicochemical variation, residue mobility, and thermodynamic stability) has been performed for this missense variant. However, the output from this modeling did not meet the statistical confidence thresholds required to predict the impact of this variant on SMAD4 protein function. Experimental studies are conflicting or provide insufficient evidence to determine the effect of this variant on SMAD4 function (PMID: 22316667). In summary, the available evidence is currently insufficient to determine the role of this variant in disease. Therefore, it has been classified as a Variant of Uncertain Significance.

GeneDx
Classification: Uncertain significance. Last evaluated: 2025-04-04. Review status: criteria provided, single submitter. Criteria: GeneDx Variant Classification Process June 2021. Collection method: clinical testing. Allele origin: germline. Affected: yes.
Comment: Identified in a patient with juvenile polyposis (JP) in published literature (PMID: 22316667); Not observed at significant frequency in large population cohorts (gnomAD); In silico analysis indicates that this missense variant does not alter protein structure/function; This variant is associated with the following publications: (PMID: 17873119, 18823382, 15235019, 36243179, 22316667)

Women's Health and Genetics/Laboratory Corporation of America, LabCorp
Classification: Uncertain significance. Last evaluated: 2025-03-24. Review status: criteria provided, single submitter. Criteria: LabCorp Variant Classification Summary - May 2015. Collection method: clinical testing. Allele origin: germline.
Comment: Variant summary: SMAD4 c.1393G>A (p.Val465Met) results in a conservative amino acid change in the encoded protein sequence. Four of five in-silico tools predict a damaging effect of the variant on protein function. The variant was absent in 251220 control chromosomes. The available data on variant occurrences in the general population are insufficient to allow any conclusion about variant significance. c.1393G>A has been reported in the literature in an individual affected with Juvenile Polyposis Syndrome (Carr_2012). This report does not provide unequivocal conclusions about association of the variant with Juvenile Polyposis Syndrome. At least one publication reports experimental evidence evaluating the impact of the variant on BMP signaling, however, does not allow convincing conclusions about the variant effect (Carr_2012). The following publications have been ascertained in the context of this evaluation (PMID: 22316667, 36243179). ClinVar contains an entry for this variant (Variation ID: 184929). Based on the evidence outlined above, the variant was classified as uncertain significance.

Baylor Genetics
Classification: Uncertain significance for Juvenile polyposis/hereditary hemorrhagic telangiectasia syndrome. Last evaluated: 2023-10-09. Review status: criteria provided, single submitter. Criteria: ACMG Guidelines, 2015. Collection method: clinical testing. Allele origin: unknown.

Color Diagnostics, LLC DBA Color Health
Classification: Uncertain significance for Hereditary cancer-predisposing syndrome. Last evaluated: 2019-08-07. Review status: criteria provided, single submitter. Criteria: ACMG Guidelines, 2015. Collection method: clinical testing. Allele origin: germline.
Comment: This missense variant replaces valine with methionine at codon 465 of the SMAD4 protein. Computational prediction tools and conservation analyses suggest that this variant may have deleterious impact on the protein function. Computational splicing tools suggest that this variant may not impact RNA splicing. A functional study has shown that the variant causes 30% reduction in BMP signaling, but the difference is not statistically significant from that in the wild-type (PMID: 22316667). This variant has been reported in an individual affected with juvenile polyposis (PMID: 22316667). This variant has not been identified in the general population by the Genome Aggregation Database (gnomAD). Available evidence is insufficient to determine the role of this variant in disease conclusively. Therefore, this variant is classified as a Variant of Uncertain Significance.

Literature cited by the submitters: PubMed 22316667 (cited by 3 submitters); PubMed 36243179 (cited by Women's Health and Genetics/Laboratory Corporation of America, LabCorp).